The following is an entry in ClinVar:

NM_020937.4(FANCM):c.3103A>C (p.Thr1035Pro)

Gene: FANCM (FA complementation group M; plus strand). Cytogenetic location: 14q21.2.
Variant type: single nucleotide variant.
Coding change: c.3103A>C on transcript NM_020937.4 (MANE Select); coding-DNA position 3103, A replaced by C.
Protein change: p.Thr1035Pro; replaces threonine 1035 with proline.
Molecular consequence: missense variant.
Genome position (GRCh38, 1-based): chr14:45,175,857, A>C. VCF-style: chr14-45175857-A-C. GRCh37 (hg19) VCF-style: chr14-45645060-A-C.
Other names: c.3103A>C (LRG_502t1); c.3025A>C, p.Thr1009Pro (NM_001308133.2); short protein forms T1035P, T1009P.
Identifiers: ClinVar variation 642231 (VCV000642231.8), dbSNP rs1594798747, ClinGen allele CA389599866.

ClinVar aggregate classification (germline): Uncertain significance (1 of 4 stars; one submission).

Conditions:
Fanconi anemia (FA). Also called: Fanconi's anemia. Identifiers: Orphanet 84, MedGen C0015625, MeSH D005199, MONDO:0019391.

Allele frequency attached by ClinVar (database versions not stated): TOPMed below 0.00001.

Submission:

Labcorp Genetics (formerly Invitae), Labcorp
Classification: Uncertain significance for Fanconi anemia. Last evaluated: 2018-12-10. Review status: criteria provided, single submitter. Criteria: Invitae Variant Classification Sherloc (09022015). Collection method: clinical testing. Allele origin: germline.
Comment: This variant is not present in population databases (ExAC no frequency). This variant has not been reported in the literature in individuals with FANCM-related conditions. Algorithms developed to predict the effect of missense changes on protein structure and function are either unavailable or do not agree on the potential impact of this missense change (SIFT: "Tolerated"; PolyPhen-2: "Possibly Damaging"; Align-GVGD: "Class C0"). In summary, the available evidence is currently insufficient to determine the role of this variant in disease. Therefore, it has been classified as a Variant of Uncertain Significance. This sequence change replaces threonine with proline at codon 1035 of the FANCM protein (p.Thr1035Pro). The threonine residue is weakly conserved and there is a small physicochemical difference between threonine and proline.